The following is an entry in ClinVar:

ClinVar aggregate classification (germline): Uncertain significance (1 of 4 stars; one submission).

Conditions:
Chuvash polycythemia. Also called: POLYCYTHEMIA, VHL-DEPENDENT. Identifiers: Orphanet 238557, MedGen C1837915, MONDO:0009892, OMIM 263400.
Von Hippel-Lindau syndrome (VHLS). Also called: VHL syndrome; Von Hippel-Lindau; von Hippel–Lindau syndrome. Identifiers: Orphanet 892, MedGen C0019562, MONDO:0008667, OMIM 193300. Disease mechanism: loss of function.

Submission:

Labcorp Genetics (formerly Invitae), Labcorp
Classification: Uncertain significance for Von Hippel-Lindau syndrome; Chuvash polycythemia. Last evaluated: 2023-06-23. Review status: criteria provided, single submitter. Criteria: Invitae Variant Classification Sherloc (09022015). Collection method: clinical testing. Allele origin: unknown.
Comment: In summary, the available evidence is currently insufficient to determine the role of this variant in disease. Therefore, it has been classified as a Variant of Uncertain Significance. Experimental studies and prediction algorithms are not available or were not evaluated, and the functional significance of this variant is currently unknown. This variant has not been reported in the literature in individuals affected with VHL-related conditions. This variant results in a copy number gain of the genomic region encompassing exon(s) 1 of the VHL gene. This region includes the initiator codon of the gene. This copy number gain extends beyond the assayed region for this gene and therefore may encompass additional genes. As the precise location of this event is unknown, it may be in tandem or it may be located elsewhere in the genome.

NC_000003.11:g.(?_10183532)_(10184708_?)dup

Gene: VHL (von Hippel-Lindau tumor suppressor; plus strand). Cytogenetic location: 3p25.3.
Variant type: Duplication.
Identifiers: ClinVar variation 3246838 (VCV003246838.1).